The following is an entry in ClinVar:

NM_177438.3(DICER1):c.985C>T (p.Leu329=)

Gene: DICER1 (dicer 1, ribonuclease III; minus strand). Cytogenetic location: 14q32.13.
Variant type: single nucleotide variant.
Coding change: c.985C>T on transcript NM_177438.3 (MANE Select); coding-DNA position 985, C replaced by T.
Protein change: p.Leu329=; no amino-acid change (leucine 329 retained).
Molecular consequence: synonymous variant. On other transcripts: 5 prime UTR variant (1), non-coding transcript variant (6).
Genome position (GRCh38, 1-based): chr14:95,124,587, G>A on the plus strand (C>T on the coding strand, the complement: DICER1 is on the minus strand). VCF-style: chr14-95124587-G-A. GRCh37 (hg19) VCF-style: chr14-95590924-G-A.
Other names: c.985C>T, p.Leu329= (NM_001195573.1, NM_001271282.3, NM_001291628.2 and 15 more transcripts); c.703C>T, p.Leu235= (NM_001395686.1); c.580C>T, p.Leu194= (NM_001395687.1, NM_001395688.1, NM_001395689.1 and 3 more transcripts); c.418C>T, p.Leu140= (NM_001395691.1); c.-584C>T (NM_001395697.1).
Identifiers: ClinVar variation 2849879 (VCV002849879.4), dbSNP rs2140207238, ClinGen allele CA487845973.
Genomic context (GRCh38, chr14:95,124,587, plus strand): 5'-CTGTAAACAATAAAAATTTCCTGTGCAGCTCCTCTTGCTCATGTTTGATGTATTTCTGTA[G>A]TTCTCTTACCATCATTCCAGCTACTTTATCTGCACACCAGGGTCCCAGAACTACCAATAC-3'
Protein context (NP_803187.1, residues 319-339): DKVAGMMVRE[Leu329=]QKYIKHEQEE

ClinVar aggregate classification (germline): Benign/Likely benign. Review status: criteria provided, multiple submitters, no conflicts (2 of 4 stars). 2 submissions from 2 submitters: Benign (1); Likely benign (1). Last evaluated 2026-08-19.

Conditions:
DICER1-related tumor predisposition. Also called: DICER1-related pleuropulmonary blastoma cancer predisposition syndrome; DICER1 syndrome. Identifiers: Orphanet 284343, MedGen C3839822, MONDO:0100216.

Allele frequency attached by ClinVar (database versions not stated): gnomAD exomes below 0.00001.
gnomAD v4.1: 1 of 1,613,740 alleles (0.000062%); highest among the groups gnomAD compares: Non-Finnish European, 0.000085%; no homozygotes.

Submissions (2):

Myriad Genetics, Inc.
Classification: Benign for DICER1-related tumor predisposition. Last evaluated: 2026-08-19. Review status: criteria provided, single submitter. Criteria: Myriad Autosomal Dominant, Autosomal Recessive and X-Linked Classification Criteria (2023). Collection method: clinical testing. Allele origin: unknown.
Comment: This variant is considered benign. This variant is a silent/synonymous amino acid change and it is not expected to impact splicing.

Labcorp Genetics (formerly Invitae), Labcorp
Classification: Likely benign for DICER1-related tumor predisposition. Last evaluated: 2023-03-26. Review status: criteria provided, single submitter. Criteria: Invitae Variant Classification Sherloc (09022015). Collection method: clinical testing. Allele origin: germline.